The following is an entry in ClinVar:

ClinVar aggregate classification (germline): Pathogenic/Likely pathogenic. Review status: criteria provided, multiple submitters, no conflicts (2 of 4 stars). 2 submissions from 2 submitters: Pathogenic (1); Likely pathogenic (1). Last evaluated 2024-12-06.

Conditions:
CIB1-related disorder. Also called: CIB1-related condition.

Submissions (2):

PreventionGenetics, part of Exact Sciences
Classification: Likely pathogenic for CIB1-related condition. Last evaluated: 2024-12-06. Review status: criteria provided, single submitter. Criteria: ACMG Guidelines, 2015. Collection method: clinical testing. Allele origin: germline.
Comment: The CIB1 c.470_471delTT variant is predicted to result in premature protein termination (p.Phe157*). To our knowledge, this variant has not been reported in the literature. This variant is reported in 0.028% of alleles in individuals of African descent in gnomAD. Nonsense variants in CIB1 are expected to be pathogenic. This variant is interpreted as likely pathogenic.

Labcorp Genetics (formerly Invitae), Labcorp
Classification: Pathogenic. Last evaluated: 2022-03-02. Review status: criteria provided, single submitter. Criteria: Invitae Variant Classification Sherloc (09022015). Collection method: clinical testing. Allele origin: germline.
Comment: This variant has not been reported in the literature in individuals affected with CIB1-related conditions. This variant is present in population databases (no rsID available, gnomAD 0.03%). This sequence change creates a premature translational stop signal (p.Phe157*) in the CIB1 gene. It is expected to result in an absent or disrupted protein product. Loss-of-function variants in CIB1 are known to be pathogenic (PMID: 30068544). Algorithms developed to predict the effect of sequence changes on RNA splicing suggest that this variant is not likely to affect RNA splicing. For these reasons, this variant has been classified as Pathogenic.

Literature cited by the submitters: PubMed 30068544 (cited by Labcorp Genetics (formerly Invitae), Labcorp).

NM_006384.4(CIB1):c.350_351del (p.Asp116_Phe117insTer)

Gene: CIB1 (calcium and integrin binding 1; minus strand). Cytogenetic location: 15q26.1.
Variant type: Deletion.
Coding change: c.350_351del on transcript NM_006384.4 (MANE Select); coding-DNA positions 350 to 351, 2 bases deleted (TT; older notation c.350_351delTT).
Protein change: p.Asp116_Phe117insTer.
Molecular consequence: nonsense. On other transcripts: non-coding transcript variant (2).
Genome position (GRCh38, 1-based): chr15:90,231,209-90,231,210, AA deleted on the plus strand (TT on the coding strand, the reverse complement: CIB1 is on the minus strand); deleting any 2 consecutive bases within chr15:90,231,209-90,231,211 gives the same sequence; the c. name uses the placement nearest the transcript's 3' end. VCF-style (leftmost placement, unchanged base first): chr15-90231208-CAA-C. GRCh37 (hg19) VCF-style: chr15-90774440-CAA-C.
Other names: c.470_471del, p.Asp156_Phe157insTer (NM_001277764.2); c.470_471delTT (NM_001277764.1).
Identifiers: ClinVar variation 1458030 (VCV001458030.7), dbSNP rs893423761, ClinGen allele CA274659733.